The following is an entry in ClinVar:

NM_001276270.2(MBD4):c.237_263dup (p.Cys88Ter)

Gene: MBD4 (methyl-CpG binding domain 4, DNA glycosylase; minus strand). Cytogenetic location: 3q21.3.
Variant type: Duplication.
Coding change: c.237_263dup on transcript NM_001276270.2 (MANE Select); coding-DNA positions 237 to 263, 27 bases duplicated (AACAGAATGCCGTAAGTCTGTCCCATG).
Protein change: p.Cys88Ter; replaces cysteine 88 with a stop codon.
Molecular consequence: nonsense. On other transcripts: splice donor variant (1).
Genome position (GRCh38, 1-based): chr3:129,437,792-129,437,818, CATGGGACAGACTTACGGCATTCTGTT duplicated on the plus strand (AACAGAATGCCGTAAGTCTGTCCCATG on the coding strand, the reverse complement: MBD4 is on the minus strand); duplicating any 27 consecutive bases within chr3:129,437,792-129,437,819 gives the same sequence; the c. name uses the placement nearest the transcript's 3' end. VCF-style (leftmost placement, unchanged base first): chr3-129437791-A-ACATGGGACAGACTTACGGCATTCTGTT. GRCh37 (hg19) VCF-style: chr3-129156634-A-ACATGGGACAGACTTACGGCATTCTGTT.
Other names: c.237_263dup, p.Cys88Ter (NM_001276271.2, NM_001276272.2, NM_003925.3); c.237_247+16dup (NM_001276273.2); short protein forms C88*.
Identifiers: ClinVar variation 4715792 (VCV004715792.1).

ClinVar aggregate classification (germline): Pathogenic (1 of 4 stars; one submission).

Submission:

Labcorp Genetics (formerly Invitae), Labcorp
Classification: Pathogenic. Last evaluated: 2025-03-24. Review status: criteria provided, single submitter. Criteria: Invitae Variant Classification Sherloc (09022015). Collection method: clinical testing. Allele origin: germline.
Comment: This sequence change creates a premature translational stop signal (p.Cys88*) in the MBD4 gene. It is expected to result in an absent or disrupted protein product. Loss-of-function variants in MBD4 are known to be pathogenic (PMID: 30049810, 35460607). This variant is not present in population databases (gnomAD no frequency). This variant has not been reported in the literature in individuals affected with MBD4-related conditions. For these reasons, this variant has been classified as Pathogenic.

Literature cited by the submitters: PubMed 30049810; PubMed 35460607.